The following is an entry in ClinVar:

NM_032977.4(CASP10):c.361G>A (p.Glu121Lys)

Gene: CASP10 (caspase 10; plus strand). Cytogenetic location: 2q33.1.
Variant type: single nucleotide variant.
Coding change: c.361G>A on transcript NM_032977.4 (MANE Select); coding-DNA position 361, G replaced by A.
Protein change: p.Glu121Lys; replaces glutamic acid 121 with lysine.
Molecular consequence: missense variant.
Genome position (GRCh38, 1-based): chr2:201,187,719, G>A. VCF-style: chr2-201187719-G-A. GRCh37 (hg19) VCF-style: chr2-202052442-G-A.
Other names: c.361G>A, p.Glu121Lys (NM_001206524.2, NM_001206542.2, NM_001230.5 and 3 more transcripts); short protein forms E121K.
Identifiers: ClinVar variation 333421 (VCV000333421.9), dbSNP rs565907504, ClinGen allele CA2052847.
Genomic context (GRCh38, chr2:201,187,719, plus strand): 5'-CTCCACAAGTGTAAGGCTTTATTTGTCATTTTGGGTGTGTGTCTTAGAAACCTGCTCTAC[G>A]AACTGTCAGAAGGCATTGACTCAGAGAACTTAAAGGACATGATCTTCCTTCTGAAAGACT-3'
Protein context (NP_116759.2, residues 111-131): RVSLFRNLLY[Glu121Lys]LSEGIDSENL

ClinVar aggregate classification (germline): Uncertain significance. Review status: criteria provided, multiple submitters, no conflicts (2 of 4 stars). 3 submissions from 3 submitters: Uncertain significance (3). Last evaluated 2026-03-06.

Conditions:
CASP10-related disorder. Also called: CASP10-related condition.
Autoimmune lymphoproliferative syndrome type 2A (ALPS2A). Also called: AUTOIMMUNE LYMPHOPROLIFERATIVE SYNDROME, TYPE IIA; Autoimmune lymphoproliferative syndrome type 2; CASP10-Related Autoimmune Lymphoproliferative Syndrome. Identifiers: Orphanet 3261, MedGen C1858968, MONDO:0011383, OMIM 603909.

Allele frequency attached by ClinVar (database versions not stated): gnomAD 0.00001; ExAC 0.00002; 1000 Genomes Project 0.00040; 1000 Genomes Project 30x 0.00047.
gnomAD v4.1: 30 of 1,613,770 alleles (0.0019%); highest among the groups gnomAD compares: East Asian, 0.016%; 1 homozygote.

Submissions (3):

PreventionGenetics, part of Exact Sciences
Classification: Uncertain significance for CASP10-related condition. Last evaluated: 2026-03-06. Review status: criteria provided, single submitter. Criteria: ACMG Guidelines, 2015. Collection method: clinical testing. Allele origin: germline.
Comment: The CASP10 c.361G>A variant is predicted to result in the amino acid substitution p.Glu121Lys. To our knowledge, this variant has not been reported in the literature. This variant is reported in 0.0062% of alleles in individuals of African descent in gnomAD. At this time, the clinical significance of this variant is uncertain due to the absence of conclusive functional and genetic evidence.

Labcorp Genetics (formerly Invitae), Labcorp
Classification: Uncertain significance for Autoimmune lymphoproliferative syndrome type 2A. Last evaluated: 2025-10-31. Review status: criteria provided, single submitter. Criteria: Invitae Variant Classification Sherloc (09022015). Collection method: clinical testing. Allele origin: germline.
Comment: This sequence change replaces glutamic acid, which is acidic and polar, with lysine, which is basic and polar, at codon 121 of the CASP10 protein (p.Glu121Lys). This variant is present in population databases (rs565907504, gnomAD 0.007%). This variant has not been reported in the literature in individuals affected with CASP10-related conditions. ClinVar contains an entry for this variant (Variation ID: 333421). Invitae Evidence Modeling of protein sequence and biophysical properties (such as structural, functional, and spatial information, amino acid conservation, physicochemical variation, residue mobility, and thermodynamic stability) indicates that this missense variant is not expected to disrupt CASP10 protein function with a negative predictive value of 80%. In summary, the available evidence is currently insufficient to determine the role of this variant in disease. Therefore, it has been classified as a Variant of Uncertain Significance.

Illumina Laboratory Services, Illumina
Classification: Uncertain significance for Autoimmune lymphoproliferative syndrome type 2A. Last evaluated: 2018-01-12. Review status: criteria provided, single submitter. Criteria: ICSL Variant Classification Criteria 13 December 2019. Collection method: clinical testing. Allele origin: germline.